The following is an entry in ClinVar:

NM_001385012.1(NBEA):c.6743A>G (p.Lys2248Arg)

Gene: NBEA (neurobeachin; plus strand). Cytogenetic location: 13q13.3.
Variant type: single nucleotide variant.
Coding change: c.6743A>G on transcript NM_001385012.1 (MANE Select); coding-DNA position 6743, A replaced by G.
Protein change: p.Lys2248Arg; replaces lysine 2248 with arginine.
Molecular consequence: missense variant.
Genome position (GRCh38, 1-based): chr13:35,550,969, A>G. VCF-style: chr13-35550969-A-G. GRCh37 (hg19) VCF-style: chr13-36125106-A-G.
Other names: c.122A>G, p.Lys41Arg (NM_001204197.3); c.6734A>G, p.Lys2245Arg (NM_001379245.1); c.6743A>G, p.Lys2248Arg (NM_015678.5); short protein forms K2245R, K2248R, K41R.
Identifiers: ClinVar variation 983330 (VCV000983330.4), dbSNP rs757249160, ClinGen allele CA6947594.

ClinVar aggregate classification (germline): Uncertain significance. Review status: criteria provided, multiple submitters, no conflicts (2 of 4 stars). 2 submissions from 2 submitters: Uncertain significance (2). Last evaluated 2021-06-18.

Conditions:
Inborn genetic diseases. Identifiers: MedGen C0950123, MeSH D030342.
Neurodevelopmental disorder with or without early-onset generalized epilepsy. Identifiers: MedGen C5436914, MONDO:0030930, OMIM 619157.

Allele frequency attached by ClinVar (database versions not stated): ExAC 0.00001; gnomAD exomes 0.00001; gnomAD 0.00012 and 0.00013; TOPMed 0.00029.
gnomAD v4.1: 27 of 1,611,774 alleles (0.0017%); highest among the groups gnomAD compares: Admixed American, 0.033%; no homozygotes.

Submissions (2):

Ambry Genetics
Classification: Uncertain significance for Inborn genetic diseases. Last evaluated: 2021-06-18. Review status: criteria provided, single submitter. Criteria: Ambry Variant Classification Scheme 2023. Collection method: clinical testing. Allele origin: germline.

New York Genome Center
Classification: Uncertain significance for Neurodevelopmental disorder with or without early-onset generalized epilepsy. Last evaluated: 2020-02-13. Review status: criteria provided, single submitter. Criteria: NYGC Assertion Criteria 2020. Collection method: clinical testing. Allele origin: germline. Observed: 1 heterozygote. Study: CSER-NYCKidSeq.
Comment: The heterozygous p.Lys2248Arg missense variant in the NBEA gene has not been reported in affected individuals in the available literature. The variant has 0.0000080 allele frequency the gnomAD database (2 out of 248,624 heterozygous alleles), indicating this is an extremely rare allele in the general population. In silico prediction tools show conflicting predictions about the potential pathogenicity of this variant. Based on the available evidence, the p.Lys2248Arg variant in the NBEA gene is classified as a variant of uncertain significance.